The following is an entry in ClinVar:

NM_002519.3(NPAT):c.2654C>A (p.Ser885Tyr)

Gene: NPAT (nuclear protein, coactivator of histone transcription; minus strand). Cytogenetic location: 11q22.3.
Variant type: single nucleotide variant.
Coding change: c.2654C>A on transcript NM_002519.3 (MANE Select); coding-DNA position 2654, C replaced by A.
Protein change: p.Ser885Tyr; replaces serine 885 with tyrosine.
Molecular consequence: missense variant.
Genome position (GRCh38, 1-based): chr11:108,172,330, G>T on the plus strand (C>A on the coding strand, the complement: NPAT is on the minus strand). VCF-style: chr11-108172330-G-T. GRCh37 (hg19) VCF-style: chr11-108043057-G-T.
Other names: c.2654C>A, p.Ser885Tyr (NM_001321307.1); short protein forms S885Y.
Identifiers: ClinVar variation 2453813 (VCV002453813.2), dbSNP rs2496716456, ClinGen allele CA382512514.

ClinVar aggregate classification (germline): Uncertain significance (1 of 4 stars; one submission).

Submission:

Ambry Genetics
Classification: Uncertain significance. Last evaluated: 2023-03-08. Review status: criteria provided, single submitter. Criteria: Ambry Variant Classification Scheme 2023. Collection method: clinical testing. Allele origin: germline.
Comment: The p.S885Y variant (also known as c.2654C>A), located in coding exon 13 of the NPAT gene, results from a C to A substitution at nucleotide position 2654. The serine at codon 885 is replaced by tyrosine, an amino acid with dissimilar properties. This amino acid position is conserved. In addition, the in silico prediction for this alteration is inconclusive. Since supporting evidence is limited at this time, the clinical significance of this alteration remains unclear.